The following is an entry in ClinVar:

NM_001042492.3(NF1):c.2200_2201insGTTA (p.Asn734delinsSerTer)

Gene: NF1 (neurofibromin 1; plus strand). Cytogenetic location: 17q11.2.
Variant type: Insertion.
Coding change: c.2200_2201insGTTA on transcript NM_001042492.3 (MANE Select); coding-DNA positions 2200 to 2201, GTTA inserted.
Protein change: p.Asn734delinsSerTer.
Molecular consequence: nonsense. On other transcripts: frameshift variant (1).
Genome position: GRCh38 VCF-style: chr17-31226632-C-CAGTT. GRCh37 (hg19) VCF-style: chr17-29553650-C-CAGTT.
Other names: c.2200_2201insGTTA, p.Asn734Serfs (NM_000267.4).
Identifiers: ClinVar variation 3653061 (VCV003653061.2).

ClinVar aggregate classification (germline): Pathogenic (1 of 4 stars; one submission).

Conditions:
Neurofibromatosis, type 1 (NF1). Also called: Peripheral type neurofibromatosis; VON RECKLINGHAUSEN DISEASE; NEUROFIBROMATOSIS, TYPE I, SOMATIC; Neurofibromatosis, type I. Identifiers: Orphanet 636, MedGen C0027831, MONDO:0018975, OMIM 162200. Disease mechanism: loss of function.

Submission:

Labcorp Genetics (formerly Invitae), Labcorp
Classification: Pathogenic for Neurofibromatosis, type 1. Last evaluated: 2024-05-16. Review status: criteria provided, single submitter. Criteria: Invitae Variant Classification Sherloc (09022015). Collection method: clinical testing. Allele origin: germline.
Comment: This sequence change creates a premature translational stop signal (p.Asn734Serfs*2) in the NF1 gene. It is expected to result in an absent or disrupted protein product. Loss-of-function variants in NF1 are known to be pathogenic (PMID: 10712197, 23913538). This variant is not present in population databases (gnomAD no frequency). This variant has not been reported in the literature in individuals affected with NF1-related conditions. Algorithms developed to predict the effect of sequence changes on RNA splicing suggest that this variant may disrupt the consensus splice site. For these reasons, this variant has been classified as Pathogenic.

Literature cited by the submitters: PubMed 10712197; PubMed 23913538.